The following is an entry in ClinVar:

NM_001252020.2(TRPM1):c.24G>A (p.Ser8=)

Gene: TRPM1 (transient receptor potential cation channel subfamily M member 1; minus strand). Cytogenetic location: 15q13.3.
Variant type: single nucleotide variant.
Coding change: c.24G>A on transcript NM_001252020.2; coding-DNA position 24, G replaced by A.
Protein change: p.Ser8=; no amino-acid change (serine 8 retained).
Molecular consequence: synonymous variant.
Genome position (GRCh38, 1-based): chr15:31,160,936, C>T on the plus strand (G>A on the coding strand, the complement: TRPM1 is on the minus strand). VCF-style: chr15-31160936-C-T. GRCh37 (hg19) VCF-style: chr15-31453139-C-T.
Identifiers: ClinVar variation 3057256 (VCV003057256.10), dbSNP rs778348780, ClinGen allele CA7453171.

ClinVar aggregate classification (germline): Likely benign. Review status: criteria provided, single submitter (1 of 4 stars). 2 submissions from 2 submitters: Likely benign (1). 1 of the submissions does not count toward it. Last evaluated 2025-07-01.

Conditions:
TRPM1-related disorder. Also called: TRPM1-related condition.

Allele frequency attached by ClinVar (database versions not stated): ExAC 0.00009; gnomAD 0.00001; TOPMed 0.00001.
gnomAD v4.1: 13 of 1,535,406 alleles (0.00085%); highest among the groups gnomAD compares: East Asian, 0.0073%; 1 homozygote.

Submissions (2):

CeGaT Center for Human Genetics Tuebingen
Classification: Likely benign. Last evaluated: 2025-07-01. Review status: criteria provided, single submitter. Criteria: CeGaT Center For Human Genetics Tuebingen Variant Classification Criteria Version 2. Collection method: clinical testing. Allele origin: germline. Affected: yes. Observed: 1 variant allele.
Comment: TRPM1: BP4, BP7

PreventionGenetics, part of Exact Sciences
Classification: Likely benign for TRPM1-related condition. Last evaluated: 2019-04-22. Review status: no assertion criteria provided. Collection method: clinical testing. Allele origin: germline. Not counted in ClinVar's aggregate classification.
Comment: This variant is classified as likely benign based on ACMG/AMP sequence variant interpretation guidelines (Richards et al. 2015 PMID: 25741868, with internal and published modifications).